The following is an entry in ClinVar:

ClinVar aggregate classification (germline): Likely pathogenic (1 of 4 stars; one submission).

Conditions:
Neutral lipid storage myopathy (NLSDM). Also called: NEUTRAL LIPID STORAGE DISEASE WITHOUT ICHTHYOSIS. Identifiers: Orphanet 98908, MedGen C1853136, MONDO:0012545, OMIM 610717.

Submission:

Juno Genomics, Hangzhou Juno Genomics, Inc
Classification: Likely pathogenic for Neutral lipid storage myopathy. Review status: criteria provided, single submitter. Criteria: ACMG Guidelines, 2015. Collection method: clinical testing. Allele origin: germline. Affected: yes.
Comment: Absent from controls (or at extremely low frequency if recessive) in Genome Aggregation Database, Exome Sequencing Project, 1000 Genomes Project, or Exome Aggregation Consortium.;Null variant in a gene where loss of function (LOF) is a known mechanism of disease.

NM_020376.4(PNPLA2):c.907del (p.Arg303fs)

Gene: PNPLA2 (patatin like domain 2, triacylglycerol lipase; plus strand). Cytogenetic location: 11p15.5.
Variant type: Deletion.
Coding change: c.907del on transcript NM_020376.4 (MANE Select); coding-DNA position 907, one base deleted (C; older notation c.907delC).
Protein change: p.Arg303fs; shifts the reading frame from arginine 303.
Molecular consequence: frameshift variant.
Genome position (GRCh38, 1-based): chr11:823,843, C deleted; the last of 3 consecutive C bases (chr11:823,841-823,843); deleting any one gives the same sequence. VCF-style (leftmost placement, unchanged base first): chr11-823840-GC-G. GRCh37 (hg19) VCF-style: chr11-823840-GC-G.
Other names: short protein forms R303fs.
Identifiers: ClinVar variation 3382892 (VCV003382892.2).